The following is an entry in ClinVar:

ClinVar aggregate classification (germline): Uncertain significance (1 of 4 stars; one submission).

Conditions:
Hypomagnesemia, seizures, and impaired intellectual development 2. Also called: Hypomagnesemia, seizures, and intellectual disability 2. Identifiers: MedGen C5193023, MONDO:0020788, OMIM 618314.
Charcot-Marie-tooth disease, axonal, type 2DD. Also called: CHARCOT-MARIE-TOOTH NEUROPATHY, TYPE 2DD. Identifiers: Orphanet 521414, MedGen C4747974, MONDO:0054833, OMIM 618036.

gnomAD v4.1: 2 of 1,614,036 alleles (0.00012%); highest among the groups gnomAD compares: Non-Finnish European, 0.00017%; no homozygotes.

Submission:

Juno Genomics, Hangzhou Juno Genomics, Inc
Classification: Uncertain significance for Hypomagnesemia, seizures, and impaired intellectual development 2; Charcot-Marie-tooth disease, axonal, type 2DD. Review status: criteria provided, single submitter. Criteria: ACMG Guidelines, 2015. Collection method: clinical testing. Allele origin: germline.
Comment: Absent from controls (or at extremely low frequency if recessive) in Genome Aggregation Database.;Multiple lines of computational evidence support a deleterious effect on the gene or gene product.;Missense variant in a gene that has a low rate of benign missense variation.

NM_000701.8(ATP1A1):c.763C>T (p.Arg255Cys)

Gene: ATP1A1 (ATPase Na+/K+ transporting subunit alpha 1; plus strand). Cytogenetic location: 1p13.1.
Variant type: single nucleotide variant.
Coding change: c.763C>T on transcript NM_000701.8 (MANE Select); coding-DNA position 763, C replaced by T.
Protein change: p.Arg255Cys; replaces arginine 255 with cysteine.
Molecular consequence: missense variant.
Genome position (GRCh38, 1-based): chr1:116,389,447, C>T. VCF-style: chr1-116389447-C-T. GRCh37 (hg19) VCF-style: chr1-116932069-C-T.
Other names: c.763C>T, p.Arg255Cys (NM_001160233.2); c.670C>T, p.Arg224Cys (NM_001160234.2); short protein forms R224C, R255C.
Identifiers: ClinVar variation 5006063 (VCV005006063.2).